The following is an entry in ClinVar:

NM_001018113.3(FANCB):c.484A>C (p.Ser162Arg)

Gene: FANCB (FA complementation group B; minus strand). Cytogenetic location: Xp22.2.
Variant type: single nucleotide variant.
Coding change: c.484A>C on transcript NM_001018113.3 (MANE Select); coding-DNA position 484, A replaced by C.
Protein change: p.Ser162Arg; replaces serine 162 with arginine.
Molecular consequence: missense variant.
Genome position (GRCh38, 1-based): chrX:14,865,027, T>G on the plus strand (A>C on the coding strand, the complement: FANCB is on the minus strand). VCF-style: chrX-14865027-T-G. GRCh37 (hg19) VCF-style: chrX-14883149-T-G.
Other names: c.484A>C, p.Ser162Arg (NM_001324162.2, NM_152633.4); short protein forms S162R.
Identifiers: ClinVar variation 1442361 (VCV001442361.6), dbSNP rs2147446679, ClinGen allele CA412444403.

ClinVar aggregate classification (germline): Uncertain significance (1 of 4 stars; one submission).

Conditions:
Fanconi anemia (FA). Also called: Fanconi's anemia. Identifiers: Orphanet 84, MedGen C0015625, MeSH D005199, MONDO:0019391.

Allele frequency attached by ClinVar (database versions not stated): gnomAD exomes below 0.00001.
gnomAD v4.1: 2 of 1,210,142 alleles (0.00017%); highest among the groups gnomAD compares: East Asian, 0.003%; no homozygotes.

Submission:

Labcorp Genetics (formerly Invitae), Labcorp
Classification: Uncertain significance for Fanconi anemia. Last evaluated: 2021-10-02. Review status: criteria provided, single submitter. Criteria: Invitae Variant Classification Sherloc (09022015). Collection method: clinical testing. Allele origin: germline.
Comment: This variant is not present in population databases (ExAC no frequency). This sequence change replaces serine with arginine at codon 162 of the FANCB protein (p.Ser162Arg). The serine residue is weakly conserved and there is a moderate physicochemical difference between serine and arginine. This variant has not been reported in the literature in individuals affected with FANCB-related conditions. Algorithms developed to predict the effect of missense changes on protein structure and function are either unavailable or do not agree on the potential impact of this missense change (SIFT: "Deleterious"; PolyPhen-2: "Possibly Damaging"; Align-GVGD: "Class C0"). In summary, the available evidence is currently insufficient to determine the role of this variant in disease. Therefore, it has been classified as a Variant of Uncertain Significance.